The following is an entry in ClinVar:

ClinVar aggregate classification (germline): Uncertain significance. Review status: criteria provided, multiple submitters, no conflicts (2 of 4 stars). 2 submissions from 2 submitters: Uncertain significance (2). Last evaluated 2023-11-28.

Conditions:
Autosomal dominant nonsyndromic hearing loss 4A. Also called: Deafness, autosomal dominant 4A. Identifiers: Orphanet 90635, MedGen C1833503, MONDO:0010915, OMIM 600652.

Allele frequency attached by ClinVar (database versions not stated): gnomAD exomes 0.00002 and 0.00004; gnomAD 0.00003 and 0.00004; ExAC 0.00004; TOPMed 0.00004.
gnomAD v4.1: 28 of 1,608,532 alleles (0.0017%); highest among the groups gnomAD compares: African/African-American, 0.012%; no homozygotes.

Submissions (2):

GeneDx
Classification: Uncertain significance. Last evaluated: 2023-11-28. Review status: criteria provided, single submitter. Criteria: GeneDx Variant Classification Process June 2021. Collection method: clinical testing. Allele origin: germline. Affected: yes.
Comment: In silico analysis supports that this missense variant does not alter protein structure/function; Has not been previously published as pathogenic or benign to our knowledge

Illumina Laboratory Services, Illumina
Classification: Uncertain significance for Autosomal dominant nonsyndromic hearing loss 4A. Last evaluated: 2017-04-28. Review status: criteria provided, single submitter. Criteria: ICSL Variant Classification Criteria 13 December 2019. Collection method: clinical testing. Allele origin: germline.

NM_001145809.2(MYH14):c.2114G>A (p.Arg705Gln)

Gene: MYH14 (myosin heavy chain 14; plus strand). Cytogenetic location: 19q13.33.
Variant type: single nucleotide variant.
Coding change: c.2114G>A on transcript NM_001145809.2 (MANE Select); coding-DNA position 2114, G replaced by A.
Protein change: p.Arg705Gln; replaces arginine 705 with glutamine.
Molecular consequence: missense variant.
Genome position (GRCh38, 1-based): chr19:50,257,368, G>A. VCF-style: chr19-50257368-G-A. GRCh37 (hg19) VCF-style: chr19-50760625-G-A.
Other names: c.2015G>A, p.Arg672Gln (NM_001077186.2); c.1991G>A, p.Arg664Gln (NM_024729.4); short protein forms R672Q, R664Q, R705Q.
Identifiers: ClinVar variation 893889 (VCV000893889.5), dbSNP rs770353210, ClinGen allele CA9592799.